The following is an entry in ClinVar:

NM_004168.4(SDHA):c.1771G>T (p.Ala591Ser)

Gene: SDHA (succinate dehydrogenase complex flavoprotein subunit A; plus strand). Cytogenetic location: 5p15.33.
Variant type: single nucleotide variant.
Coding change: c.1771G>T on transcript NM_004168.4 (MANE Select); coding-DNA position 1771, G replaced by T.
Protein change: p.Ala591Ser; replaces alanine 591 with serine.
Molecular consequence: missense variant. On other transcripts: intron variant (1).
Genome position (GRCh38, 1-based): chr5:251,445, G>T. VCF-style: chr5-251445-G-T. GRCh37 (hg19) VCF-style: chr5-251560-G-T.
Other names: c.1627G>T, p.Ala543Ser (NM_001294332.2); c.1552-2948G>T (NM_001330758.2); short protein forms A591S, A543S.
Identifiers: ClinVar variation 5029189 (VCV005029189.1).

ClinVar aggregate classification (germline): Uncertain significance (1 of 4 stars; one submission).

Conditions:
Hereditary cancer-predisposing syndrome. Also called: Neoplastic Syndromes, Hereditary; Tumor predisposition; Hereditary neoplastic syndrome; Hereditary Cancer Syndrome. Identifiers: Orphanet 140162, MedGen C0027672, MeSH D009386, MONDO:0015356.

Submission:

Ambry Genetics
Classification: Uncertain significance for Hereditary cancer-predisposing syndrome. Last evaluated: 2026-07-06. Review status: criteria provided, single submitter. Criteria: Ambry Variant Classification Scheme 2023. Collection method: clinical testing. Allele origin: germline.
Comment: The p.A591S variant (also known as c.1771G>T), located in coding exon 13 of the SDHA gene, results from a G to T substitution at nucleotide position 1771. The alanine at codon 591 is replaced by serine, an amino acid with similar properties. This amino acid position is conserved. In addition, the in silico prediction for this alteration is inconclusive. Based on the available evidence, the clinical significance of this variant remains unclear.